The following is an entry in ClinVar:

NM_000318.3(PEX2):c.286C>T (p.Gln96Ter)

Gene: PEX2 (peroxisomal biogenesis factor 2; minus strand). Cytogenetic location: 8q21.13.
Variant type: single nucleotide variant.
Coding change: c.286C>T on transcript NM_000318.3 (MANE Select); coding-DNA position 286, C replaced by T.
Protein change: p.Gln96Ter; replaces glutamine 96 with a stop codon.
Molecular consequence: nonsense.
Genome position (GRCh38, 1-based): chr8:76,983,893, G>A on the plus strand (C>T on the coding strand, the complement: PEX2 is on the minus strand). VCF-style: chr8-76983893-G-A. GRCh37 (hg19) VCF-style: chr8-77896129-G-A.
Other names: c.286C>T, p.Gln96Ter (NM_001079867.2, NM_001172086.2, NM_001172087.2); c.286C>T (NM_000318.2); short protein forms Q96*.
Identifiers: ClinVar variation 1206131 (VCV001206131.8), dbSNP rs2132044384, ClinGen allele CA371557681.
Genomic context (GRCh38, chr8:76,983,893, plus strand): 5'-ACCACCTGCCACCAATTGTACAAACAGCATACCAGATTTTTTGATTTTTACTGGGTGGCT[G>A]ATATCTCAGGTTAGGGGAAAAATCATTTTTGTACTTAATATTCAAAACTGACTGTCCCAC-3'

ClinVar aggregate classification (germline): Pathogenic. Review status: criteria provided, multiple submitters, no conflicts (2 of 4 stars). 4 submissions from 4 submitters: Pathogenic (2). 2 of the submissions do not count toward it. Last evaluated 2024-01-11.

Conditions:
Peroxisome biogenesis disorder 5A (Zellweger) (PBD5A). Identifiers: Orphanet 912, MedGen C3553940, MONDO:0013932, OMIM 614866.

Allele frequency attached by ClinVar (database versions not stated): gnomAD exomes 0.00001.

Submissions (4):

Labcorp Genetics (formerly Invitae), Labcorp
Classification: Pathogenic for Peroxisome biogenesis disorder 5A (Zellweger). Last evaluated: 2024-01-11. Review status: criteria provided, single submitter. Criteria: Invitae Variant Classification Sherloc (09022015). Collection method: clinical testing. Allele origin: germline.
Comment: This sequence change creates a premature translational stop signal (p.Gln96*) in the PEX2 gene. While this is not anticipated to result in nonsense mediated decay, it is expected to disrupt the last 210 amino acid(s) of the PEX2 protein. This variant is not present in population databases (gnomAD no frequency). This premature translational stop signal has been observed in individual(s) with Zellweger spectrum disorders (PMID: 21031596). ClinVar contains an entry for this variant (Variation ID: 1206131). This variant disrupts a region of the PEX2 protein in which other variant(s) (p.Lys215Serfs*2) have been determined to be pathogenic (PMID: 10652207). This suggests that this is a clinically significant region of the protein, and that variants that disrupt it are likely to be disease-causing. For these reasons, this variant has been classified as Pathogenic.

Baylor Genetics
Classification: Pathogenic for Peroxisome biogenesis disorder 5A (Zellweger). Last evaluated: 2023-03-15. Review status: criteria provided, single submitter. Criteria: ACMG Guidelines, 2015. Collection method: clinical testing. Allele origin: unknown.

Clinical Genetics DNA and cytogenetics Diagnostics Lab, Erasmus MC, Erasmus Medical Center
Classification: Pathogenic. Review status: no assertion criteria provided. Collection method: clinical testing. Allele origin: germline. Affected: yes. Study: VKGL Data-share Consensus. Not counted in ClinVar's aggregate classification.

Laboratory of Diagnostic Genome Analysis, Leiden University Medical Center (LUMC)
Classification: Likely pathogenic. Review status: no assertion criteria provided. Collection method: clinical testing. Allele origin: germline. Affected: yes. Study: VKGL Data-share Consensus. Not counted in ClinVar's aggregate classification.

Literature cited by the submitters: PubMed 21031596 (cited by Labcorp Genetics (formerly Invitae), Labcorp); PubMed 10652207 (cited by Labcorp Genetics (formerly Invitae), Labcorp).